The following is an entry in ClinVar:

ClinVar aggregate classification (germline): Conflicting classifications of pathogenicity. Review status: criteria provided, conflicting classifications (1 of 4 stars). 5 submissions from 5 submitters: Uncertain significance (4); Likely benign (1). Last evaluated 2026-05-29.

Conditions:
Gastrointestinal stromal tumor. Also called: Gastrointestinal stromal tumor, somatic; Gastrointestinal stroma tumor. Identifiers: Orphanet 44890, MedGen C0238198, MeSH D046152, MONDO:0011719, OMIM 606764, HP:0100723.
Malignant tumor of testis. Also called: Testicular cancer. Identifiers: MedGen C0153594, MONDO:0005447.
Mastocytosis. Also called: Mast Cell Disease. Identifiers: Orphanet 98292, MedGen C0024899, MONDO:0007950, HP:0100495.
Piebaldism. Also called: Piebald skin depigmentation. Identifiers: Orphanet 2884, MedGen C0080024, MONDO:0008244, OMIM 172800, HP:0007544.
Acute myeloid leukemia (AML). Also called: Leukemia, acute myeloid, somatic; Leukemia, acute myelogenous, somatic; Acute myeloid leukemia, adult; AML adult; Acute non-lymphocytic leukemia; Acute granulocytic leukemia. Identifiers: Orphanet 519, MedGen C0023467, MeSH D015470, MONDO:0018874, OMIM 601626, HP:0004808. Disease mechanism: Constitutively activated FLT3.
Hereditary cancer-predisposing syndrome. Also called: Neoplastic Syndromes, Hereditary; Hereditary neoplastic syndrome; Hereditary Cancer Syndrome; Tumor predisposition. Identifiers: Orphanet 140162, MedGen C0027672, MeSH D009386, MONDO:0015356.

Allele frequency attached by ClinVar (database versions not stated): gnomAD exomes 0.00001 and 0.00003; ExAC 0.00002; gnomAD 0.00002 and 0.00004; TOPMed 0.00004; ESP Exome Variant Server 0.00015.
gnomAD v4.1: 19 of 1,613,566 alleles (0.0012%); highest among the groups gnomAD compares: Admixed American, 0.013%; no homozygotes.

Submissions (5):

Myriad Genetics, Inc.
Classification: Likely benign for Gastrointestinal stromal tumor. Last evaluated: 2026-05-29. Review status: criteria provided, single submitter. Criteria: Myriad Autosomal Dominant, Autosomal Recessive and X-Linked Classification Criteria (2023). Collection method: clinical testing. Allele origin: unknown.
Comment: This variant is considered likely benign. This variant has been observed at a population frequency that is significantly greater than expected given the associated disease prevalence and penetrance.

Labcorp Genetics (formerly Invitae), Labcorp
Classification: Uncertain significance for Gastrointestinal stromal tumor. Last evaluated: 2025-10-23. Review status: criteria provided, single submitter. Criteria: Invitae Variant Classification Sherloc (09022015). Collection method: clinical testing. Allele origin: germline.
Comment: This sequence change replaces arginine, which is basic and polar, with histidine, which is basic and polar, at codon 686 of the KIT protein (p.Arg686His). This variant is present in population databases (rs143772138, gnomAD 0.01%). This variant has not been reported in the literature in individuals affected with KIT-related conditions. ClinVar contains an entry for this variant (Variation ID: 458902). An algorithm developed to predict the effect of missense changes on protein structure and function (PolyPhen-2) suggests that this variant is likely to be tolerated. In summary, the available evidence is currently insufficient to determine the role of this variant in disease. Therefore, it has been classified as a Variant of Uncertain Significance.

Ambry Genetics
Classification: Uncertain significance for Hereditary cancer-predisposing syndrome. Last evaluated: 2024-12-27. Review status: criteria provided, single submitter. Criteria: Ambry Variant Classification Scheme 2023. Collection method: clinical testing. Allele origin: germline.
Comment: The p.R686H variant (also known as c.2057G>A), located in coding exon 14 of the KIT gene, results from a G to A substitution at nucleotide position 2057. The arginine at codon 686 is replaced by histidine, an amino acid with highly similar properties. This amino acid position is highly conserved in available vertebrate species. In addition, this alteration is predicted to be deleterious by in silico analysis. Based on the available evidence, the clinical significance of this variant remains unclear.

GeneDx
Classification: Uncertain significance. Last evaluated: 2024-07-15. Review status: criteria provided, single submitter. Criteria: GeneDx Variant Classification Process June 2021. Collection method: clinical testing. Allele origin: germline. Affected: yes.
Comment: In silico analysis supports that this missense variant has a deleterious effect on protein structure/function; Has not been previously published as pathogenic or benign to our knowledge

Fulgent Genetics
Classification: Uncertain significance for Cutaneous mastocytosis; Piebaldism; Germ cell tumor of testis; Acute myeloid leukemia; Gastrointestinal stromal tumor. Last evaluated: 2018-10-31. Review status: criteria provided, single submitter. Criteria: ACMG Guidelines, 2015. Collection method: clinical testing. Allele origin: unknown.

NM_000222.3(KIT):c.2057G>A (p.Arg686His)

Gene: KIT (KIT proto-oncogene, receptor tyrosine kinase; plus strand). Cytogenetic location: 4q12.
Variant type: single nucleotide variant.
Coding change: c.2057G>A on transcript NM_000222.3 (MANE Select); coding-DNA position 2057, G replaced by A.
Protein change: p.Arg686His; replaces arginine 686 with histidine.
Molecular consequence: missense variant.
Genome position (GRCh38, 1-based): chr4:54,729,401, G>A. VCF-style: chr4-54729401-G-A. GRCh37 (hg19) VCF-style: chr4-55595567-G-A.
Other names: c.2045G>A, p.Arg682His (NM_001093772.2, NM_001385286.1); c.2060G>A, p.Arg687His (NM_001385284.1, NM_001385290.1); c.2057G>A, p.Arg686His (NM_001385285.1); c.2048G>A, p.Arg683His (NM_001385288.1, NM_001385292.1); short protein forms R686H, R682H, R683H, R687H.
Identifiers: ClinVar variation 458902 (VCV000458902.19), dbSNP rs143772138, ClinGen allele CA2923638.